The following is an entry in ClinVar:

ClinVar aggregate classification (germline): Uncertain significance (1 of 4 stars; one submission).

gnomAD v4.1: 4 of 1,614,120 alleles (0.00025%); highest among the groups gnomAD compares: Admixed American, 0.0067%; no homozygotes.

Submission:

Ambry Genetics
Classification: Uncertain significance. Last evaluated: 2025-05-03. Review status: criteria provided, single submitter. Criteria: Ambry Variant Classification Scheme 2023. Collection method: clinical testing. Allele origin: germline.
Comment: The p.S735R variant (also known as c.2203A>C), located in coding exon 1 of the TET2 gene, results from an A to C substitution at nucleotide position 2203. The serine at codon 735 is replaced by arginine, an amino acid with dissimilar properties. This amino acid position is conserved. In addition, this alteration is predicted to be tolerated by in silico analysis. Based on the available evidence, the clinical significance of this variant remains unclear.

NM_001127208.3(TET2):c.2203A>C (p.Ser735Arg)

Genes: TET2 (tet methylcytosine dioxygenase 2; plus strand), TET2-AS1 (TET2 antisense RNA 1; minus strand). Cytogenetic location: 4q24.
Variant type: single nucleotide variant.
Coding change: c.2203A>C on transcript NM_001127208.3 (MANE Select); coding-DNA position 2203, A replaced by C.
Protein change: p.Ser735Arg; replaces serine 735 with arginine.
Molecular consequence: missense variant.
Genome position (GRCh38, 1-based): chr4:105,236,145, A>C. VCF-style: chr4-105236145-A-C. GRCh37 (hg19) VCF-style: chr4-106157302-A-C.
Other names: c.2203A>C, p.Ser735Arg (NM_017628.4); short protein forms S735R.
Identifiers: ClinVar variation 3967610 (VCV003967610.1).